The following is an entry in ClinVar:

NM_002230.4(JUP):c.1951C>G (p.Arg651Gly)

Gene: JUP (junction plakoglobin; minus strand). Cytogenetic location: 17q21.2.
Variant type: single nucleotide variant.
Coding change: c.1951C>G on transcript NM_002230.4 (MANE Select); coding-DNA position 1951, C replaced by G.
Protein change: p.Arg651Gly; replaces arginine 651 with glycine.
Molecular consequence: missense variant.
Genome position (GRCh38, 1-based): chr17:41,757,510, G>C on the plus strand (C>G on the coding strand, the complement: JUP is on the minus strand). VCF-style: chr17-41757510-G-C. GRCh37 (hg19) VCF-style: chr17-39913762-G-C.
Other names: c.1951C>G, p.Arg651Gly (NM_001352777.2, NM_021991.4, NM_001352773.2 and 3 more transcripts); short protein forms R651G.
Identifiers: ClinVar variation 3748263 (VCV003748263.3).

ClinVar aggregate classification (germline): Uncertain significance. Review status: criteria provided, multiple submitters, no conflicts (2 of 4 stars). 2 submissions from 2 submitters: Uncertain significance (2). Last evaluated 2026-06-16.

Conditions:
Arrhythmogenic right ventricular dysplasia 12. Also called: ARRHYTHMOGENIC RIGHT VENTRICULAR DYSPLASIA, FAMILIAL, 12. Identifiers: MedGen C1969081, MONDO:0012684, OMIM 611528.
Naxos disease (NXD). Also called: CARDIOMYOPATHY, ARRHYTHMOGENIC RIGHT VENTRICULAR, WITH SKIN, HAIR, AND NAIL ABNORMALITIES; KERATOSIS PALMOPLANTARIS WITH ARRHYTHMOGENIC CARDIOMYOPATHY; MAL DE NAXOS; PALMOPLANTAR KERATODERMA WITH ARRHYTHMOGENIC RIGHT VENTRICULAR CARDIOMYOPATHY AND WOOLLY HAIR; WOOLLY HAIR, PALMOPLANTAR KERATODERMA, AND CARDIAC ABNORMALITIES. Identifiers: Orphanet 34217, MedGen C1832600, MONDO:0011017, OMIM 601214.
Cardiovascular phenotype. Identifiers: MedGen CN230736.

Submissions (2):

Ambry Genetics
Classification: Uncertain significance for Cardiovascular phenotype. Last evaluated: 2026-06-16. Review status: criteria provided, single submitter. Criteria: Ambry Variant Classification Scheme 2023. Collection method: clinical testing. Allele origin: germline.
Comment: The p.R651G variant (also known as c.1951C>G), located in coding exon 11 of the JUP gene, results from a C to G substitution at nucleotide position 1951. The arginine at codon 651 is replaced by glycine, an amino acid with dissimilar properties. This amino acid position is highly conserved in available vertebrate species. In addition, this alteration is predicted to be deleterious by in silico analysis. Based on the available evidence, the clinical significance of this variant remains unclear.

Labcorp Genetics (formerly Invitae), Labcorp
Classification: Uncertain significance for Arrhythmogenic right ventricular dysplasia 12; Naxos disease. Last evaluated: 2024-03-17. Review status: criteria provided, single submitter. Criteria: Invitae Variant Classification Sherloc (09022015). Collection method: clinical testing. Allele origin: germline.
Comment: This sequence change replaces arginine, which is basic and polar, with glycine, which is neutral and non-polar, at codon 651 of the JUP protein (p.Arg651Gly). This variant is not present in population databases (gnomAD no frequency). This variant has not been reported in the literature in individuals affected with JUP-related conditions. An algorithm developed to predict the effect of missense changes on protein structure and function (PolyPhen-2) suggests that this variant is likely to be disruptive. In summary, the available evidence is currently insufficient to determine the role of this variant in disease. Therefore, it has been classified as a Variant of Uncertain Significance.